The following is an entry in ClinVar:

NM_032043.3(BRIP1):c.1598_1599dup (p.Leu534fs)

Gene: BRIP1 (BRCA1 interacting DNA helicase 1; minus strand). Cytogenetic location: 17q23.2.
Variant type: Duplication.
Coding change: c.1598_1599dup on transcript NM_032043.3 (MANE Select); coding-DNA positions 1598 to 1599, 2 bases duplicated (TA; older notation c.1598_1599dupTA).
Protein change: p.Leu534fs; shifts the reading frame from leucine 534.
Molecular consequence: frameshift variant.
Genome position (GRCh38, 1-based): chr17:61,784,299-61,784,300, TA duplicated on the plus strand (TA on the coding strand, the reverse complement: BRIP1 is on the minus strand). VCF-style (leftmost placement, unchanged base first): chr17-61784298-G-GTA. GRCh37 (hg19) VCF-style: chr17-59861659-G-GTA.
Other names: short protein forms L534fs.
Identifiers: ClinVar variation 2583185 (VCV002583185.2), dbSNP rs2545052192, ClinGen allele CA2582342286.

ClinVar aggregate classification (germline): Pathogenic (1 of 4 stars; one submission).

Conditions:
Familial cancer of breast. Also called: Hereditary breast cancer; BREAST CANCER, FAMILIAL; hereditary breast carcinoma. Identifiers: Orphanet 227535, MedGen C0346153, MONDO:0016419, OMIM 114480. Disease mechanism: loss of function.

Submission:

Myriad Genetics, Inc.
Classification: Pathogenic for Familial cancer of breast. Last evaluated: 2023-06-02. Review status: criteria provided, single submitter. Criteria: Myriad Autosomal Dominant, Autosomal Recessive and X-Linked Classification Criteria (2023). Collection method: clinical testing. Allele origin: unknown.
Comment: This variant is considered pathogenic. This variant creates a frameshift predicted to result in premature protein truncation.